The following is an entry in ClinVar:

NM_005886.3(KATNB1):c.1678C>T (p.Leu560=)

Gene: KATNB1 (katanin regulatory subunit B1; plus strand). Cytogenetic location: 16q21.
Variant type: single nucleotide variant.
Coding change: c.1678C>T on transcript NM_005886.3 (MANE Select); coding-DNA position 1678, C replaced by T.
Protein change: p.Leu560=; no amino-acid change (leucine 560 retained).
Molecular consequence: synonymous variant.
Genome position (GRCh38, 1-based): chr16:57,756,026, C>T. VCF-style: chr16-57756026-C-T. GRCh37 (hg19) VCF-style: chr16-57789938-C-T.
Identifiers: ClinVar variation 790707 (VCV000790707.14), dbSNP rs113265906, ClinGen allele CA8081336.
Genomic context (GRCh38, chr16:57,756,026, plus strand): 5'-TGGCAGCATGTCCTGGCCTCTCCTAGCTCCCTGTGGAAGCTGGACCTGTGCACCACCGTC[C>T]TGCCACAGATTGAGAAGCTTCTGCAGAGCAAGTATGAGAGGTGCGTGTGGGGAAGCCATG-3'
Protein context (NP_005877.2, residues 550-570): LWKLDLCTTV[Leu560=]PQIEKLLQSK

ClinVar aggregate classification (germline): Benign/Likely benign. Review status: criteria provided, multiple submitters, no conflicts (2 of 4 stars). 4 submissions from 4 submitters: Benign (1); Likely benign (3). Last evaluated 2025-05-22.

Conditions:
KATNB1-related disorder. Also called: KATNB1-related condition.

Allele frequency attached by ClinVar (database versions not stated): gnomAD exomes 0.00015 and 0.00030; ExAC 0.00041; ESP Exome Variant Server 0.00100; 1000 Genomes Project 30x 0.00125; gnomAD 0.00133 and 0.00136; TOPMed 0.00136; 1000 Genomes Project 0.00140.
gnomAD v4.1: 439 of 1,611,956 alleles (0.027%); highest among the groups gnomAD compares: African/African-American, 0.47%; 1 homozygote.

Submissions (4):

Labcorp Genetics (formerly Invitae), Labcorp
Classification: Benign. Last evaluated: 2025-05-22. Review status: criteria provided, single submitter. Criteria: Invitae Variant Classification Sherloc (09022015). Collection method: clinical testing. Allele origin: germline.

PreventionGenetics, part of Exact Sciences
Classification: Likely benign for KATNB1-related condition. Last evaluated: 2025-02-13. Review status: criteria provided, single submitter. Criteria: ACMG Guidelines, 2015. Collection method: clinical testing. Allele origin: germline.
Comment: This variant is classified as likely benign based on ACMG/AMP sequence variant interpretation guidelines (Richards et al. 2015 PMID: 25741868, with internal and published modifications).

Blueprint Genetics
Classification: Likely benign. Last evaluated: 2024-11-15. Review status: criteria provided, single submitter. Criteria: ACMG Guidelines, 2015. Collection method: clinical testing. Allele origin: germline.

Genetic Services Laboratory, University of Chicago
Classification: Likely benign. Last evaluated: 2018-02-28. Review status: criteria provided, single submitter. Criteria: ACMG Guidelines, 2015. Collection method: clinical testing. Allele origin: germline. Affected: no.